The following is an entry in ClinVar:

ClinVar aggregate classification (germline): Uncertain significance. Review status: criteria provided, multiple submitters, no conflicts (2 of 4 stars). 2 submissions from 2 submitters: Uncertain significance (2). Last evaluated 2025-10-14.

Conditions:
Hereditary cancer-predisposing syndrome. Also called: Neoplastic Syndromes, Hereditary; Tumor predisposition; Hereditary Cancer Syndrome; Hereditary neoplastic syndrome. Identifiers: Orphanet 140162, MedGen C0027672, MeSH D009386, MONDO:0015356.
Hereditary nonpolyposis colorectal neoplasms. Identifiers: MedGen C0009405, MeSH D003123.

Submissions (2):

Ambry Genetics
Classification: Uncertain significance for Hereditary cancer-predisposing syndrome. Last evaluated: 2025-10-14. Review status: criteria provided, single submitter. Criteria: Ambry Variant Classification Scheme 2023. Collection method: clinical testing. Allele origin: germline.
Comment: The p.V39L variant (also known as c.115G>T), located in coding exon 2 of the PMS2 gene, results from a G to T substitution at nucleotide position 115. The valine at codon 39 is replaced by leucine, an amino acid with highly similar properties. This amino acid position is highly conserved in available vertebrate species. In addition, this alteration is predicted to be deleterious by in silico analysis. Based on the available evidence, the clinical significance of this variant remains unclear.

Labcorp Genetics (formerly Invitae), Labcorp
Classification: Uncertain significance for Hereditary nonpolyposis colorectal neoplasms. Last evaluated: 2020-02-13. Review status: criteria provided, single submitter. Criteria: Invitae Variant Classification Sherloc (09022015). Collection method: clinical testing. Allele origin: germline.
Comment: This sequence change replaces valine with leucine at codon 39 of the PMS2 protein (p.Val39Leu). The valine residue is moderately conserved and there is a small physicochemical difference between valine and leucine. This variant is not present in population databases (ExAC no frequency). This variant has not been reported in the literature in individuals with PMS2-related conditions. Algorithms developed to predict the effect of missense changes on protein structure and function are either unavailable or do not agree on the potential impact of this missense change (SIFT: "Tolerated"; PolyPhen-2: "Probably Damaging"; Align-GVGD: "Class C0"). In summary, the available evidence is currently insufficient to determine the role of this variant in disease. Therefore, it has been classified as a Variant of Uncertain Significance.

NM_000535.7(PMS2):c.115G>T (p.Val39Leu)

Gene: PMS2 (PMS1 homolog 2, mismatch repair system component; minus strand). Cytogenetic location: 7p22.1.
Variant type: single nucleotide variant.
Coding change: c.115G>T on transcript NM_000535.7 (MANE Select); coding-DNA position 115, G replaced by T.
Protein change: p.Val39Leu; replaces valine 39 with leucine.
Molecular consequence: missense variant. On other transcripts: 5 prime UTR variant (8), non-coding transcript variant (1), intron variant (3).
Genome position (GRCh38, 1-based): chr7:6,005,940, C>A on the plus strand (G>T on the coding strand, the complement: PMS2 is on the minus strand). VCF-style: chr7-6005940-C-A. GRCh37 (hg19) VCF-style: chr7-6045571-C-A.
Other names: c.-291G>T (NM_001322003.2, NM_001322005.2, NM_001322009.2 and 1 more transcripts); c.115G>T, p.Val39Leu (NM_001322006.2, NM_001322014.2); c.-101G>T (NM_001322007.2); c.-770G>T (NM_001322011.2, NM_001322012.2); c.-370G>T (NM_001322015.2); c.-52-1882G>T (NM_001322008.2); c.-242-1882G>T (NM_001322010.2, NM_001322004.2); short protein forms V39L.
Identifiers: ClinVar variation 998772 (VCV000998772.12), dbSNP rs1785697288, ClinGen allele CA366745036.
Genomic context (GRCh38, chr7:6,005,940, plus strand): 5'-TCCCAAACTTACCAATATTAGTGGCACCAGCATCCAGACTGTTTTCTACTAACTCCTTTA[C>A]CGCAGTGCTTAGACTCAGTACCACCTGCCCAGAGCAAATCTGATGGACTGACTTCCGATC-3'
Protein context (NP_000526.2, residues 29-49): GQVVLSLSTA[Val39Leu]KELVENSLDA